The following is an entry in ClinVar:

ClinVar aggregate classification (germline): Conflicting classifications of pathogenicity. Review status: criteria provided, conflicting classifications (1 of 4 stars). 2 submissions from 2 submitters: Uncertain significance (1); Likely benign (1). Last evaluated 2023-12-22.

Conditions:
Inborn genetic diseases. Identifiers: MedGen C0950123, MeSH D030342.

Allele frequency attached by ClinVar (database versions not stated): gnomAD 0.00001; TOPMed 0.00001; ExAC 0.00005; 1000 Genomes Project 30x 0.00016; 1000 Genomes Project 0.00020.
gnomAD v4.1: 40 of 1,549,880 alleles (0.0026%); highest among the groups gnomAD compares: South Asian, 0.044%; no homozygotes.

Submissions (2):

Labcorp Genetics (formerly Invitae), Labcorp
Classification: Likely benign. Last evaluated: 2023-12-22. Review status: criteria provided, single submitter. Criteria: Invitae Variant Classification Sherloc (09022015). Collection method: clinical testing. Allele origin: germline.

Ambry Genetics
Classification: Uncertain significance for Inborn genetic diseases. Last evaluated: 2021-08-09. Review status: criteria provided, single submitter. Criteria: Ambry Variant Classification Scheme 2023. Collection method: clinical testing. Allele origin: germline.
Comment: The c.458-5G>A intronic alteration consists of a G to A substitution 5 nucleotides before exon 4 (coding exon 3) of the SLC39A14 gene. Based on insufficient or conflicting evidence, the clinical significance of this alteration remains unclear.

NM_001128431.4(SLC39A14):c.458-5G>A

Gene: SLC39A14 (solute carrier family 39 member 14; plus strand). Cytogenetic location: 8p21.3.
Variant type: single nucleotide variant.
Coding change: c.458-5G>A on transcript NM_001128431.4 (MANE Select); 5 bases into the intron before coding-DNA position 458, G replaced by A.
Molecular consequence: intron variant.
Genome position (GRCh38, 1-based): chr8:22,412,032, G>A. VCF-style: chr8-22412032-G-A. GRCh37 (hg19) VCF-style: chr8-22269545-G-A.
Other names: c.458-5G>A (NM_001135153.1, NM_001135154.3, NM_001351656.2 and 3 more transcripts); c.488-5G>A (NM_001351657.2, NM_001351658.2, NM_001351659.2); c.627+1917G>A (NM_015359.6).
Identifiers: ClinVar variation 2235895 (VCV002235895.8), dbSNP rs560026205, ClinGen allele CA4667384.